The following is an entry in ClinVar:

NM_025137.4(SPG11):c.1571G>A (p.Gly524Glu)

Gene: SPG11 (SPG11 vesicle trafficking associated, spatacsin; minus strand). Cytogenetic location: 15q21.1.
Variant type: single nucleotide variant.
Coding change: c.1571G>A on transcript NM_025137.4 (MANE Select); coding-DNA position 1571, G replaced by A.
Protein change: p.Gly524Glu; replaces glycine 524 with glutamic acid.
Molecular consequence: missense variant.
Genome position (GRCh38, 1-based): chr15:44,648,897, C>T on the plus strand (G>A on the coding strand, the complement: SPG11 is on the minus strand). VCF-style: chr15-44648897-C-T. GRCh37 (hg19) VCF-style: chr15-44941095-C-T.
Other names: c.1571G>A, p.Gly524Glu (NM_001160227.2); short protein forms G524E.
Identifiers: ClinVar variation 452675 (VCV000452675.2), dbSNP rs773146881, ClinGen allele CA7535524.
Genomic context (GRCh38, chr15:44,648,897, plus strand): 5'-TAATGTTCTTGGGCATTTAATTCTGTTACCTCTAGTGCATGTATGGGAATTGAGCACCTT[C>T]CCCAGCCATTGAGATGACAAAGAGTGTCCACAGTGCTGGCACTTCCATGGATCATGAGTC-3'
Protein context (NP_079413.3, residues 514-534): VDTLCHLNGW[Gly524Glu]RCSIPIHALE

ClinVar aggregate classification (germline): Uncertain significance (1 of 4 stars; one submission).

Allele frequency attached by ClinVar (database versions not stated): gnomAD exomes below 0.00001 and 0.00003; ExAC 0.00001.
gnomAD v4.1: 43 of 1,614,128 alleles (0.0027%); highest among the groups gnomAD compares: Non-Finnish European, 0.0035%; no homozygotes.

Submission:

GeneDx
Classification: Uncertain significance. Last evaluated: 2017-10-12. Review status: criteria provided, single submitter. Criteria: GeneDx Variant Classification (06012015). Collection method: clinical testing. Allele origin: germline. Affected: yes.
Comment: The G524E variant has not been published as a pathogenic variant, nor has it been reported as a benign variant to our knowledge. The G524E variant is not observed at a significant frequency in large population cohorts (Lek et al., 2016). This variant is a non-conservative amino acid substitution, which is likely to impact secondary protein structure as these residues differ in polarity, charge, size and/or other properties. This substitution occurs at a position that is conserved across species, and in silico analysis predicts this variant is probably damaging to the protein structure/function. However, missense variants in nearby residues have not been reported in the Human Gene Mutation Database in association with SPG11-related disorders (Stenson et al., 2014).